The following is an entry in ClinVar:

ClinVar aggregate classification (germline): Uncertain significance (1 of 4 stars; one submission).

Conditions:
Malignant hyperthermia, susceptibility to, 1 (MHS1). Also called: Anesthesia related hyperthermia; Malignant hyperpyrexia; Fulminating hyperpyrexia; Pharmacogenic myopathy; RYR1-Related Malignant Hyperthermia Susceptibility; Malignant hyperthermia suceptibility 1. Identifiers: Orphanet 423, MedGen C2930980, MONDO:0007783, OMIM 145600.

Submission:

All of Us Research Program, National Institutes of Health
Classification: Uncertain significance for Malignant hyperthermia, susceptibility to, 1. Last evaluated: 2023-07-10. Review status: criteria provided, single submitter. Criteria: ACMG Guidelines, 2015. Collection method: clinical testing. Allele origin: germline. Inheritance: Autosomal dominant inheritance. Observed: 1 variant allele, 1 heterozygote.
Comment: This missense variant replaces leucine with methionine at codon 553 of the RYR1 protein. Computational prediction is inconclusive regarding the impact of this variant on protein structure and function (internally defined REVEL score threshold 0.5 < inconclusive < 0.7, PMID: 27666373). To our knowledge, functional studies have not been reported for this variant. This variant has not been reported in individuals affected with RYR1-related disorders in the literature. This variant has not been identified in the general population by the Genome Aggregation Database (gnomAD). The available evidence is insufficient to determine the role of this variant in disease conclusively. Therefore, this variant is classified as a Variant of Uncertain Significance.

This study involves interpretation of variants in research participants for the purpose of population health screening. Participant phenotype was not available at the time of variant classification. Additional details can be found in publication PMID: 35346344, PMCID: PMC8962531

NM_000540.3(RYR1):c.1657C>A (p.Leu553Met)

Gene: RYR1 (ryanodine receptor 1; plus strand). Cytogenetic location: 19q13.2.
Variant type: single nucleotide variant.
Coding change: c.1657C>A on transcript NM_000540.3 (MANE Select); coding-DNA position 1657, C replaced by A.
Protein change: p.Leu553Met; replaces leucine 553 with methionine.
Molecular consequence: missense variant.
Genome position (GRCh38, 1-based): chr19:38,455,531, C>A. VCF-style: chr19-38455531-C-A. GRCh37 (hg19) VCF-style: chr19-38946171-C-A.
Other names: c.1657C>A, p.Leu553Met (NM_001042723.2); short protein forms L553M.
Identifiers: ClinVar variation 3072388 (VCV003072388.1), dbSNP rs2514027177, ClinGen allele CA405690435.